The following is an entry in ClinVar:

ClinVar aggregate classification (germline): Likely benign (1 of 4 stars; one submission).

Allele frequency attached by ClinVar (database versions not stated): gnomAD exomes 0.00075; ExAC 0.00271; gnomAD 0.00767; TOPMed 0.00889; ESP Exome Variant Server 0.00908; 1000 Genomes Project 0.00938; 1000 Genomes Project 30x 0.00968.
gnomAD v4.1: 2,066 of 1,310,976 alleles (0.16%); highest among the groups gnomAD compares: African/African-American, 2.6%; 30 homozygotes.

Submission:

GeneDx
Classification: Likely benign. Last evaluated: 2019-05-24. Review status: criteria provided, single submitter. Criteria: GeneDx Variant Classification Process June 2021. Collection method: clinical testing. Allele origin: germline. Affected: yes.
Comment: See Variant Classification Assertion Criteria.

NM_003114.5(SPAG1):c.2116-44C>T

Gene: SPAG1 (sperm associated antigen 1; plus strand). Cytogenetic location: 8q22.2.
Variant type: single nucleotide variant.
Coding change: c.2116-44C>T on transcript NM_003114.5 (MANE Select); 44 bases into the intron before coding-DNA position 2116, C replaced by T.
Molecular consequence: intron variant.
Genome position (GRCh38, 1-based): chr8:100,239,196, C>T. VCF-style: chr8-100239196-C-T. GRCh37 (hg19) VCF-style: chr8-101251424-C-T.
Other names: c.2116-44C>T (NM_001374321.1, NM_172218.3).
Identifiers: ClinVar variation 1706737 (VCV001706737.2), dbSNP rs114835012, ClinGen allele CA4827675.